The following is an entry in ClinVar:

NM_052947.4(ALPK2):c.1145G>A (p.Gly382Asp)

Genes: ALPK2 (alpha kinase 2; minus strand), LOC114803473 (ALPK2 eExon liver enhancer; plus strand). Cytogenetic location: 18q21.31.
Variant type: single nucleotide variant.
Coding change: c.1145G>A on transcript NM_052947.4 (MANE Select); coding-DNA position 1145, G replaced by A.
Protein change: p.Gly382Asp; replaces glycine 382 with aspartic acid.
Molecular consequence: missense variant.
Genome position (GRCh38, 1-based): chr18:58,579,631, C>T on the plus strand (G>A on the coding strand, the complement: ALPK2 is on the minus strand). VCF-style: chr18-58579631-C-T. GRCh37 (hg19) VCF-style: chr18-56246863-C-T.
Other names: short protein forms G382D.
Identifiers: ClinVar variation 3531099 (VCV003531099.1).
Genomic context (GRCh38, chr18:58,579,631, plus strand): 5'-CCACAGAAGCCAGCAGTGGCAACCATAGGCCCAGCGTCACCCGACACCCGAGACCCACAA[C>T]CCATTCCACTGAGGAAATGCTCACACCCACCCAGGCAATGCTCACCGAATTCCATCTCTT-3'
Protein context (NP_443179.3, residues 372-392): GGCEHFLSGM[Gly382Asp]CGSRVSGDAG

ClinVar aggregate classification (germline): Uncertain significance (1 of 4 stars; one submission).

Submission:

Ambry Genetics
Classification: Uncertain significance. Last evaluated: 2024-08-09. Review status: criteria provided, single submitter. Criteria: Ambry Variant Classification Scheme 2023. Collection method: clinical testing. Allele origin: germline.
Comment: The p.G382D variant (also known as c.1145G>A), located in coding exon 3 of the ALPK2 gene, results from a G to A substitution at nucleotide position 1145. The glycine at codon 382 is replaced by aspartic acid, an amino acid with similar properties. This amino acid position is conserved. In addition, the in silico prediction for this alteration is inconclusive. Based on the available evidence, the clinical significance of this variant remains unclear.